The following is an entry in ClinVar:

NM_001077350.3(NPRL3):c.925G>T (p.Val309Phe)

Genes: HBA-LCR (alpha-globin locus control region; plus strand), NPRL3 (NPR3 like, GATOR1 complex subunit; minus strand). Cytogenetic location: 16p13.3.
Variant type: single nucleotide variant.
Coding change: c.925G>T on transcript NM_001077350.3 (MANE Select); coding-DNA position 925, G replaced by T.
Protein change: p.Val309Phe; replaces valine 309 with phenylalanine.
Molecular consequence: missense variant.
Genome position (GRCh38, 1-based): chr16:93,325, C>A on the plus strand (G>T on the coding strand, the complement: NPRL3 is on the minus strand). VCF-style: chr16-93325-C-A. GRCh37 (hg19) VCF-style: chr16-143323-C-A.
Other names: c.388G>T, p.Val130Phe (NM_001039476.3); c.691G>T, p.Val231Phe (NM_001243247.2); c.850G>T, p.Val284Phe (NM_001243248.2, NM_001243249.2); short protein forms V309F, V231F, V284F, V130F.
Identifiers: ClinVar variation 3656403 (VCV003656403.2).
Genomic context (GRCh38, chr16:93,325, plus strand): 5'-ACAGCGGGTAGATGATGATGGCCTTGCCCCAGTACACCAGATGAGCTGCAAGCTGGAAAA[C>A]CTGCAGGCAAAAGGGAAGCTGCAAGGACCATGCCTGAGGCTGGCCCACCGGGAGCTGTCA-3'
Protein context (NP_001070818.1, residues 299-319): AQDADLALLQ[Val309Phe]FQLAAHLVYW

ClinVar aggregate classification (germline): Uncertain significance (1 of 4 stars; one submission).

Conditions:
Epilepsy, familial focal, with variable foci 3 (FFEVF3). Identifiers: MedGen C4310708, MONDO:0014925, OMIM 617118.

gnomAD v4.1: 2 of 1,549,954 alleles (0.00013%); highest among the groups gnomAD compares: Non-Finnish European, 0.00017%; no homozygotes.

Submission:

Labcorp Genetics (formerly Invitae), Labcorp
Classification: Uncertain significance for Epilepsy, familial focal, with variable foci 3. Last evaluated: 2024-06-12. Review status: criteria provided, single submitter. Criteria: Invitae Variant Classification Sherloc (09022015). Collection method: clinical testing. Allele origin: germline.
Comment: This sequence change replaces valine, which is neutral and non-polar, with phenylalanine, which is neutral and non-polar, at codon 309 of the NPRL3 protein (p.Val309Phe). This variant is not present in population databases (gnomAD no frequency). This variant has not been reported in the literature in individuals affected with NPRL3-related conditions. Experimental studies and prediction algorithms are not available or were not evaluated, and the functional significance of this variant is currently unknown. In summary, the available evidence is currently insufficient to determine the role of this variant in disease. Therefore, it has been classified as a Variant of Uncertain Significance.